The following is an entry in ClinVar:

ClinVar aggregate classification (germline): Conflicting classifications of pathogenicity. Review status: criteria provided, conflicting classifications (1 of 4 stars). 17 submissions from 17 submitters: Uncertain significance (6); Likely benign (5). 6 of the submissions do not count toward it. Last evaluated 2026-05-15.

Conditions:
BRCA2-related cancer predisposition. Identifiers: MedGen CN377758, MONDO:0700269.
BRCA2-related disorder. Also called: BRCA2-related condition; BRCA2-related disorders. Identifiers: MedGen CN239275.
Hereditary cancer-predisposing syndrome. Also called: Neoplastic Syndromes, Hereditary; Hereditary neoplastic syndrome; Hereditary Cancer Syndrome; Tumor predisposition. Identifiers: Orphanet 140162, MedGen C0027672, MeSH D009386, MONDO:0015356.
Breast and/or ovarian cancer. Identifiers: MedGen CN221562.
Hereditary breast ovarian cancer syndrome. Also called: Hereditary breast and/or ovarian cancer syndrome; Hereditary breast and ovarian cancer syndrome (HBOC); Breast and ovarian cancer; Hereditary breast and ovarian cancer syndrome; Hereditary breast and ovarian cancer; BRCA1- and BRCA2-Associated Hereditary Breast and Ovarian Cancer. Identifiers: Orphanet 145, MedGen C0677776, MeSH D061325, MONDO:0003582. Disease mechanism: loss of function.
Breast-ovarian cancer, familial, susceptibility to, 2 (BROVCA2). Also called: BRCA2 Hereditary Breast and Ovarian Cancer. Identifiers: Orphanet 145, MedGen C2675520, MONDO:0012933, OMIM 612555. Disease mechanism: loss of function.
Malignant tumor of breast. Also called: Malignant breast neoplasm; Cancer breast. Identifiers: MedGen C0006142, MONDO:0007254. Disease mechanism: loss of function.

Allele frequency attached by ClinVar (database versions not stated): gnomAD 0.00002; TOPMed 0.00002; gnomAD exomes 0.00002 and 0.00001; 1000 Genomes Project 0.00020; ExAC 0.00002; 1000 Genomes Project 30x 0.00016.
gnomAD v4.1: 24 of 1,613,814 alleles (0.0015%); highest among the groups gnomAD compares: African/African-American, 0.0053%; no homozygotes.

Submissions 1 to 10 of 17:

Women's Health and Genetics/Laboratory Corporation of America, LabCorp
Classification: Uncertain significance. Last evaluated: 2026-05-15. Review status: criteria provided, single submitter. Criteria: LabCorp Variant Classification Summary - May 2015. Collection method: clinical testing. Allele origin: germline.
Comment: Variant summary: BRCA2 c.5428G>A (p.Val1810Ile) results in a conservative amino acid change in the encoded protein sequence. Algorithms developed to predict the effect of missense changes on protein structure and function all suggest that this variant is likely to be tolerated. The variant allele was found at a frequency of 2.3e-05 in 298646 control chromosomes. The available data on variant occurrences in the general population are insufficient to allow any conclusion about variant significance. c.5428G>A has been observed in individual(s) affected with BRCA2-related conditions without strong evidence of causality (Chen_2015, Fanale_2021, Incorvaia_2020, Patruno_2021, Santonocito_2020). In a large study evaluating breast cancer cases and controls in the Breast Cancer Association Consortium (BCAC), the variant was reported in 5/60466 cases as well as in 2/53461 controls (Dorling_2021 through LOVD). These reports do not provide unequivocal conclusions about association of the variant with Hereditary Breast And Ovarian Cancer Syndrome. Co-occurrences with other pathogenic variants have been reported (BRCA2 c.5073dup, p.Trp1692MetfsX3; BRCA1 c.1961_1962insA, p.Lys654fs; BRCA1 c.4986+6T>C), providing supporting evidence for a benign role. To our knowledge, no experimental evidence demonstrating an impact on protein function has been reported. The following publications have been ascertained in the context of this evaluation (PMID: 25583476, 33471991, 34178674, 32380732, 25348012, 30287823, 32438681, 34572941). ClinVar contains an entry for this variant (Variation ID: 51860). Based on the evidence outlined above, the variant was classified as VUS-possibly benign.

Labcorp Genetics (formerly Invitae), Labcorp
Classification: Uncertain significance for Hereditary breast ovarian cancer syndrome. Last evaluated: 2025-11-30. Review status: criteria provided, single submitter. Criteria: Invitae Variant Classification Sherloc (09022015). Collection method: clinical testing. Allele origin: germline.
Comment: This sequence change replaces valine, which is neutral and non-polar, with isoleucine, which is neutral and non-polar, at codon 1810 of the BRCA2 protein (p.Val1810Ile). This variant is present in population databases (rs80358766, gnomAD 0.007%). This missense change has been observed in individual(s) with breast and/or ovarian cancer (PMID: 32380732, 34178674). ClinVar contains an entry for this variant (Variation ID: 51860). Invitae Evidence Modeling of protein sequence and biophysical properties (such as structural, functional, and spatial information, amino acid conservation, physicochemical variation, residue mobility, and thermodynamic stability) indicates that this missense variant is not expected to disrupt BRCA2 protein function with a negative predictive value of 95%. In summary, the available evidence is currently insufficient to determine the role of this variant in disease. Therefore, it has been classified as a Variant of Uncertain Significance.

Quest Diagnostics Nichols Institute San Juan Capistrano
Classification: Uncertain significance. Last evaluated: 2025-06-27. Review status: criteria provided, single submitter. Criteria: Quest Diagnostics criteria. Collection method: clinical testing. Allele origin: unknown.
Comment: The BRCA2 c.5428G>A (p.Val1810Ile) variant has been reported in the published literature in individuals with gastric cancer (PMID: 25583476 (2015)), breast and/or ovarian cancer (PMID: 35982159 (2022), 32438681 (2020), 33471991 (2021), see also LOVD), and in reportedly unaffected individuals (PMID: 36243179 (2022), 30287823 (2018), 33471991 (2021), see also LOVD). The frequency of this variant in the general population (Genome Aggregation Database) is uninformative in the assessment of its pathogenicity. Analysis of this variant using bioinformatics tools for the prediction of the effect of amino acid changes on protein structure and function yielded predictions that this variant is benign. Based on the available information, we are unable to determine the clinical significance of this variant.

Molecular Diagnostics Laboratory, Catalan Institute of Oncology
Classification: Likely benign for Hereditary cancer-predisposing syndrome. Last evaluated: 2025-04-22. Review status: criteria provided, single submitter. Criteria: ClinGen BRCA1BRCA2 ACMG Specifications BRCA2 V1.0.0. Collection method: clinical testing. Allele origin: germline.
Comment: BP1_Strong c.5428G>A, located in exon 11 of the BRCA2 gene, is predicted to result in the substitution of valine by isoleucine at codon 1810, p.(Val1810Ile). This position is outside a (potentially) clinically important functional domain and, moreover, the SpliceAI algorithm predicts no significant impact on splicing (BP1_strong). This variant is found in 4/268039 alleles at a frequency of 0.0015% in the gnomAD v2.1.1 database, non-cancer dataset. To our knowledge, no well-stablished functional studies have been reported for this variant. Published clinical data for a multifactorial likelihood analysis (PMID: 31131967) showed a combined LR inconclusive towards benign or pathogenicity (LR 1.75), based on tumour characteristics (LR 0.66), co-occurrence (LR 1.13) and family history (LR 2.35). In addition, the variant was also identified in the following databases: BRCA Exchange (Not Yet Reviewed), ClinVar (1x benign, 4x likely benign, 10x uncertain significance, 1x pathogenic) and LOVD (1x likely benign, 5x uncertain significance or NA). Based on the currently available information, c.5428G>A is classified as a likely benign variant according to ClinGen-BRCA2 Guidelines version v1.0.0.

Ambry Genetics
Classification: Likely benign for Hereditary cancer-predisposing syndrome. Last evaluated: 2024-12-05. Review status: criteria provided, single submitter. Criteria: Ambry Variant Classification Scheme 2023. Collection method: clinical testing. Allele origin: germline.

All of Us Research Program, National Institutes of Health
Classification: Likely benign for BRCA2-related cancer predisposition. Last evaluated: 2024-04-16. Review status: criteria provided, single submitter. Criteria: ACMG Guidelines, 2015. Collection method: clinical testing. Allele origin: germline. Inheritance: Autosomal dominant inheritance. Observed: 4 variant alleles, 4 heterozygotes.
Comment: This study involves interpretation of variants in research participants for the purpose of population health screening. Participant phenotype was not available at the time of variant classification. Additional details can be found in publication PMID: 35346344, PMCID: PMC8962531

GeneDx
Classification: Uncertain significance. Last evaluated: 2024-02-23. Review status: criteria provided, single submitter. Criteria: GeneDx Variant Classification Process June 2021. Collection method: clinical testing. Allele origin: germline. Affected: yes.
Comment: In silico analysis supports that this missense variant does not alter protein structure/function; Not observed at significant frequency in large population cohorts (gnomAD); Also known as 5656G>A; Observed in individuals with breast or ovarian cancer, but also found in cancer-free controls (PMID: 30287823, 32438681, 34178674, 33471991); This variant is associated with the following publications: (PMID: 25583476, 25079317, 34178674, 30287823, 32438681, 35452513, 25348012, 32377563, 29884841, 33471991, 36243179, 31853058, 34572941, 31214711, 32380732)

University of Washington Department of Laboratory Medicine, University of Washington
Classification: Likely benign for Hereditary cancer-predisposing syndrome. Last evaluated: 2023-03-23. Review status: criteria provided, single submitter. Criteria: Dines et al. (Genet Med. 2020). Collection method: curation. Allele origin: germline.
Comment: Missense variant in a coldspot region where missense variants are very unlikely to be pathogenic (PMID:31911673).

BRCA2 exon 11 coldspot. Reclassification based on statistical prior probability.

CHEO Genetics Diagnostic Laboratory, Children's Hospital of Eastern Ontario
Classification: Uncertain significance for Breast and/or ovarian cancer. Last evaluated: 2022-11-23. Review status: criteria provided, single submitter. Criteria: ACMG Guidelines, 2015. Collection method: clinical testing. Allele origin: germline.

Color Diagnostics, LLC DBA Color Health
Classification: Likely benign for Hereditary cancer-predisposing syndrome. Last evaluated: 2022-03-30. Review status: criteria provided, single submitter. Criteria: ACMG Guidelines, 2015. Collection method: clinical testing. Allele origin: germline.

NM_000059.4(BRCA2):c.5428G>A (p.Val1810Ile)

Gene: BRCA2 (BRCA2 DNA repair associated; plus strand). Cytogenetic location: 13q13.1.
Variant type: single nucleotide variant.
Coding change: c.5428G>A on transcript NM_000059.4 (MANE Select); coding-DNA position 5428, G replaced by A.
Protein change: p.Val1810Ile; replaces valine 1810 with isoleucine.
Molecular consequence: missense variant.
Genome position (GRCh38, 1-based): chr13:32,339,783, G>A. VCF-style: chr13-32339783-G-A. GRCh37 (hg19) VCF-style: chr13-32913920-G-A.
Other names: 5656G>A; short protein forms V1810I.
Identifiers: ClinVar variation 51860 (VCV000051860.49), dbSNP rs80358766, ClinGen allele CA022313.